The following is an entry in ClinVar:

NM_001010874.5(TECRL):c.128C>A (p.Ala43Glu)

Gene: TECRL (trans-2,3-enoyl-CoA reductase like; minus strand). Cytogenetic location: 4q13.1.
Variant type: single nucleotide variant.
Coding change: c.128C>A on transcript NM_001010874.5 (MANE Select); coding-DNA position 128, C replaced by A.
Protein change: p.Ala43Glu; replaces alanine 43 with glutamic acid.
Molecular consequence: missense variant.
Genome position (GRCh38, 1-based): chr4:64,409,224, G>T on the plus strand (C>A on the coding strand, the complement: TECRL is on the minus strand). VCF-style: chr4-64409224-G-T. GRCh37 (hg19) VCF-style: chr4-65274942-G-T.
Other names: c.128C>A, p.Ala43Glu (NM_001363796.1); short protein forms A43E.
Identifiers: ClinVar variation 3454635 (VCV003454635.1).

ClinVar aggregate classification (germline): Uncertain significance (1 of 4 stars; one submission).

Conditions:
Cardiovascular phenotype. Identifiers: MedGen CN230736.

Submission:

Ambry Genetics
Classification: Uncertain significance for Cardiovascular phenotype. Last evaluated: 2024-09-17. Review status: criteria provided, single submitter. Criteria: Ambry Variant Classification Scheme 2023. Collection method: clinical testing. Allele origin: germline.
Comment: The p.A43E variant (also known as c.128C>A), located in coding exon 1 of the TECRL gene, results from a C to A substitution at nucleotide position 128. The alanine at codon 43 is replaced by glutamic acid, an amino acid with dissimilar properties. This amino acid position is conserved. In addition, this alteration is predicted to be tolerated by in silico analysis. Based on the available evidence, the clinical significance of this variant remains unclear.